The following is an entry in ClinVar:

ClinVar aggregate classification (germline): Uncertain significance (1 of 4 stars; one submission).

Conditions:
Glycogen storage disease, type I. Identifiers: Orphanet 364, MedGen C0017920, MONDO:0002413.

Submission:

Myriad Genetics, Inc.
Classification: Uncertain significance for Glycogen storage disease, type I. Last evaluated: 2025-12-23. Review status: criteria provided, single submitter. Criteria: Myriad Autosomal Dominant, Autosomal Recessive and X-Linked Classification Criteria (2023). Collection method: clinical testing. Allele origin: unknown.
Comment: NM_001164277.1(SLC37A4):c.49A>G(M17V) is a missense variant classified as a variant of uncertain significance in the context of glycogen storage disease type Ib. M17V has not been observed in cases with relevant disease. Relevant functional assessments of this variant are not available in the literature. M17V has not been observed in referenced population frequency databases. In summary, there is insufficient evidence to classify NM_001164277.1(SLC37A4):c.49A>G(M17V) as pathogenic or benign. Please note: this variant was assessed in the context of healthy population screening.

NM_001164277.2(SLC37A4):c.49A>G (p.Met17Val)

Gene: SLC37A4 (solute carrier family 37 member 4; minus strand). Cytogenetic location: 11q23.3.
Variant type: single nucleotide variant.
Coding change: c.49A>G on transcript NM_001164277.2 (MANE Select); coding-DNA position 49, A replaced by G.
Protein change: p.Met17Val; replaces methionine 17 with valine.
Molecular consequence: missense variant. On other transcripts: intron variant (1).
Genome position (GRCh38, 1-based): chr11:119,029,321, T>C on the plus strand (A>G on the coding strand, the complement: SLC37A4 is on the minus strand). VCF-style: chr11-119029321-T-C. GRCh37 (hg19) VCF-style: chr11-118900031-T-C.
Other names: c.49A>G, p.Met17Val (NM_001164278.2, NM_001164280.2, NM_001467.6); c.-172+71A>G (NM_001164279.2); short protein forms M17V.
Identifiers: ClinVar variation 5003237 (VCV005003237.1).